The following is an entry in ClinVar:

NM_000481.4(AMT):c.672_680del (p.Tyr225_Gly227del)

Gene: AMT (aminomethyltransferase; minus strand). Cytogenetic location: 3p21.31.
Variant type: Deletion.
Coding change: c.672_680del on transcript NM_000481.4 (MANE Select); coding-DNA positions 672 to 680, 9 bases deleted (CTACACAGG; older notation c.672_680delCTACACAGG).
Protein change: p.Tyr225_Gly227del.
Molecular consequence: inframe deletion. On other transcripts: non-coding transcript variant (1).
Genome position (GRCh38, 1-based): chr3:49,419,276-49,419,284, CCTGTGTAG deleted on the plus strand (CTACACAGG on the coding strand, the reverse complement: AMT is on the minus strand); deleting any 9 consecutive bases within chr3:49,419,276-49,419,286 gives the same sequence; the c. name uses the placement nearest the transcript's 3' end. VCF-style (leftmost placement, unchanged base first): chr3-49419275-TCCTGTGTAG-T. GRCh37 (hg19) VCF-style: chr3-49456708-TCCTGTGTAG-T.
Other names: c.540_548del, p.Tyr181_Gly183del (NM_001164710.2); c.504_512del, p.Tyr169_Gly171del (NM_001164711.2); c.672_680del, p.Tyr225_Gly227del (NM_001164712.2).
Identifiers: ClinVar variation 2814137 (VCV002814137.3), dbSNP rs2471151025, ClinGen allele CA2665732938.

ClinVar aggregate classification (germline): Pathogenic (1 of 4 stars; one submission).

Conditions:
Glycine encephalopathy. Also called: Nonketotic hyperglycinemia; Non-ketotic hyperglycinemia. Identifiers: Orphanet 407, MedGen C0751748, MONDO:0011612, HP:0008288.

Submission:

Labcorp Genetics (formerly Invitae), Labcorp
Classification: Pathogenic for Glycine encephalopathy. Last evaluated: 2022-11-14. Review status: criteria provided, single submitter. Criteria: Invitae Variant Classification Sherloc (09022015). Collection method: clinical testing. Allele origin: germline.
Comment: This variant, c.672_680del, results in the deletion of 3 amino acid(s) of the AMT protein (p.Tyr225_Gly227del), but otherwise preserves the integrity of the reading frame. This variant is not present in population databases (gnomAD no frequency). This variant has not been reported in the literature in individuals affected with AMT-related conditions. This variant disrupts a region of the AMT protein in which other variant(s) (p.Tyr225Cys) have been determined to be pathogenic (PMID: 12948742, 26179960). This suggests that this is a clinically significant region of the protein, and that variants that disrupt it are likely to be disease-causing. For these reasons, this variant has been classified as Pathogenic.

Literature cited by the submitters: PubMed 12948742; PubMed 26179960.